The following is an entry in ClinVar:

ClinVar aggregate classification (germline): Likely pathogenic (1 of 4 stars; one submission).

Conditions:
Mucopolysaccharidosis, MPS-II (MPS2). Also called: Hunter Syndrome; IDURONATE 2-SULFATASE DEFICIENCY; Mucopolysaccharidosis Type II; Mucopolysaccharidosis type 2; Attenuated MPS (subtype; formerly known as mild MPS II); Severe MPS II. Identifiers: Orphanet 580, Orphanet 79388, MedGen C0026705, MONDO:0010674, OMIM 309900.

Submission:

Laboratory of Diagnosis and Therapy of Lysosomal Disorders, University of Padova
Classification: Likely pathogenic for Mucopolysaccharidosis, MPS-II. Last evaluated: 2024-06-07. Review status: criteria provided, single submitter. Criteria: ACMG Guidelines, 2015. Collection method: literature only. Allele origin: germline. Affected: yes. Observed: 2 variant alleles.
Comment: Absent from controls (or at low frequency) in gnomAD database (PM2_Moderate), Missense variant in a gene with a low rate of benign missense variation (PP2_Supporting), Multiple lines of computational evidence support a deleterious effect (PP3_Supporting), Patient’s phenotype or family history highly specific for the disease (PP4_Strong)

Classification method: ACMG Guidelines [PMID:25741868] with modifications

Literature cited by the submitters: PubMed 9921913; PubMed 33676511.

NM_000202.8(IDS):c.1432G>T (p.Asp478Tyr)

Gene: IDS (iduronate 2-sulfatase; minus strand). Cytogenetic location: Xq28.
Variant type: single nucleotide variant.
Coding change: c.1432G>T on transcript NM_000202.8 (MANE Select); coding-DNA position 1432, G replaced by T.
Protein change: p.Asp478Tyr; replaces aspartic acid 478 with tyrosine.
Molecular consequence: missense variant.
Genome position (GRCh38, 1-based): chrX:149,482,967, C>A on the plus strand (G>T on the coding strand, the complement: IDS is on the minus strand). VCF-style: chrX-149482967-C-A. GRCh37 (hg19) VCF-style: chrX-148564498-C-A.
Other names: c.1162G>T, p.Asp388Tyr (NM_001166550.4); short protein forms D388Y, D478Y.
Identifiers: ClinVar variation 3256058 (VCV003256058.2).
Genomic context (GRCh38, chrX:149,482,967, plus strand): 5'-TATAGTCTATGGTGCGTATGGAATAGCCCATGATCTTTATATCTTTTAAACTCGGCTTGT[C>A]AGAATTCCACTGAGGGATGTCTGAAGGCCGGGGATACTGGCTATAGGCAATCAGTTCACG-3'
Protein context (NP_000193.1, residues 468-488): RPSDIPQWNS[Asp478Tyr]KPSLKDIKIM